The following is an entry in ClinVar:

NM_133259.4(LRPPRC):c.3659A>G (p.Tyr1220Cys)

Gene: LRPPRC (leucine rich pentatricopeptide repeat containing; minus strand). Cytogenetic location: 2p21.
Variant type: single nucleotide variant.
Coding change: c.3659A>G on transcript NM_133259.4 (MANE Select); coding-DNA position 3659, A replaced by G.
Protein change: p.Tyr1220Cys; replaces tyrosine 1220 with cysteine.
Molecular consequence: missense variant.
Genome position (GRCh38, 1-based): chr2:43,899,516, T>C on the plus strand (A>G on the coding strand, the complement: LRPPRC is on the minus strand). VCF-style: chr2-43899516-T-C. GRCh37 (hg19) VCF-style: chr2-44126655-T-C.
Other names: short protein forms Y1220C.
Identifiers: ClinVar variation 4977219 (VCV004977219.2).

ClinVar aggregate classification (germline): Uncertain significance. Review status: criteria provided, multiple submitters, no conflicts (2 of 4 stars). 2 submissions from 2 submitters: Uncertain significance (2). Last evaluated 2026-04-14.

Conditions:
LRPPRC-related disorder. Also called: LRPPRC-related condition.

gnomAD v4.1: 17 of 1,613,702 alleles (0.0011%); highest among the groups gnomAD compares: Non-Finnish European, 0.0014%; no homozygotes.

Submissions (2):

GeneDx
Classification: Uncertain significance. Last evaluated: 2026-04-14. Review status: criteria provided, single submitter. Criteria: GeneDx Variant Classification Process June 2021. Collection method: clinical testing. Allele origin: germline.
Comment: Not observed at significant frequency in large population cohorts (gnomAD); In silico analysis supports that this missense variant has a deleterious effect on protein structure/function; Has not been previously published as pathogenic or benign to our knowledge

PreventionGenetics, part of Exact Sciences
Classification: Uncertain significance for LRPPRC-related condition. Last evaluated: 2026-03-17. Review status: criteria provided, single submitter. Criteria: ACMG Guidelines, 2015. Collection method: clinical testing. Allele origin: germline.
Comment: The LRPPRC c.3659A>G variant is predicted to result in the amino acid substitution p.Tyr1220Cys. To our knowledge, this variant has not been reported in the literature. This variant is reported in 0.0070% of alleles in individuals of European (Non-Finnish) descent in gnomAD. At this time, the clinical significance of this variant is uncertain due to the absence of conclusive functional and genetic evidence.